The following is an entry in ClinVar:

NM_001035.3(RYR2):c.5189C>T (p.Thr1730Met)

Gene: RYR2 (ryanodine receptor 2; plus strand). Cytogenetic location: 1q43.
Variant type: single nucleotide variant.
Coding change: c.5189C>T on transcript NM_001035.3 (MANE Select); coding-DNA position 5189, C replaced by T.
Protein change: p.Thr1730Met; replaces threonine 1730 with methionine.
Molecular consequence: missense variant.
Genome position (GRCh38, 1-based): chr1:237,614,317, C>T. VCF-style: chr1-237614317-C-T. GRCh37 (hg19) VCF-style: chr1-237777617-C-T.
Other names: short protein forms T1730M.
Identifiers: ClinVar variation 921410 (VCV000921410.10), dbSNP rs745569662, ClinGen allele CA086846.

ClinVar aggregate classification (germline): Uncertain significance. Review status: criteria provided, multiple submitters, no conflicts (2 of 4 stars). 5 submissions from 5 submitters: Uncertain significance (5). Last evaluated 2025-09-23.

Conditions:
Catecholaminergic polymorphic ventricular tachycardia 1. Also called: VENTRICULAR TACHYCARDIA, CATECHOLAMINERGIC POLYMORPHIC, 1, WITH OR WITHOUT ATRIAL DYSFUNCTION AND/OR DILATED CARDIOMYOPATHY; RYR2-Related Catecholaminergic Polymorphic Ventricular Tachycardia; VENTRICULAR TACHYCARDIA, STRESS-INDUCED POLYMORPHIC 1. Identifiers: Orphanet 3286, MedGen C1631597, MONDO:0011484, OMIM 604772.
Premature coronary artery atherosclerosis. Identifiers: MedGen C1867743, HP:0005181.
Catecholaminergic polymorphic ventricular tachycardia (CVPT). Also called: Catecholamine-induced polymorphic ventricular tachycardia. Identifiers: Orphanet 3286, MedGen C5574922, MONDO:0017990.
Cardiomyopathy (CMYO). Also called: Cardiomyopathies. Identifiers: Orphanet 167848, MedGen C0878544, MONDO:0004994, HP:0001638. Inheritance: Various modes of inheritance.

Allele frequency attached by ClinVar (database versions not stated): gnomAD 0.00001; ExAC 0.00002; gnomAD exomes 0.00002.
gnomAD v4.1: 37 of 1,613,862 alleles (0.0023%); highest among the groups gnomAD compares: Non-Finnish European, 0.0024%; no homozygotes.

Submissions (5):

Labcorp Genetics (formerly Invitae), Labcorp
Classification: Uncertain significance for Catecholaminergic polymorphic ventricular tachycardia 1. Last evaluated: 2025-09-23. Review status: criteria provided, single submitter. Criteria: Invitae Variant Classification Sherloc (09022015). Collection method: clinical testing. Allele origin: germline.
Comment: This sequence change replaces threonine, which is neutral and polar, with methionine, which is neutral and non-polar, at codon 1730 of the RYR2 protein (p.Thr1730Met). This variant is present in population databases (rs745569662, gnomAD 0.008%). This variant has not been reported in the literature in individuals affected with RYR2-related conditions. ClinVar contains an entry for this variant (Variation ID: 921410). Invitae Evidence Modeling of protein sequence and biophysical properties (such as structural, functional, and spatial information, amino acid conservation, physicochemical variation, residue mobility, and thermodynamic stability) indicates that this missense variant is not expected to disrupt RYR2 protein function with a negative predictive value of 95%. In summary, the available evidence is currently insufficient to determine the role of this variant in disease. Therefore, it has been classified as a Variant of Uncertain Significance.

All of Us Research Program, National Institutes of Health
Classification: Uncertain significance for Catecholaminergic polymorphic ventricular tachycardia. Last evaluated: 2024-07-10. Review status: criteria provided, single submitter. Criteria: ACMG Guidelines, 2015. Collection method: clinical testing. Allele origin: germline. Inheritance: Autosomal dominant inheritance. Observed: 2 variant alleles, 2 heterozygotes.
Comment: This missense variant replaces threonine with methionine at codon 1730 of the RYR2 protein. Computational prediction is inconclusive regarding the impact of this variant on protein structure and function (internally defined REVEL score threshold 0.5 < inconclusive < 0.7, PMID: 27666373). To our knowledge, functional studies have not been reported for this variant. This variant has not been reported in individuals affected with cardiovascular disorders in the literature. This variant has been identified in 5/280302 chromosomes in the general population by the Genome Aggregation Database (gnomAD). The available evidence is insufficient to determine the role of this variant in disease conclusively. Therefore, this variant is classified as a Variant of Uncertain Significance.

This study involves interpretation of variants in research participants for the purpose of population health screening. Participant phenotype was not available at the time of variant classification. Additional details can be found in publication PMID: 35346344, PMCID: PMC8962531

Color Diagnostics, LLC DBA Color Health
Classification: Uncertain significance for Cardiomyopathy. Last evaluated: 2024-06-20. Review status: criteria provided, single submitter. Criteria: ACMG Guidelines, 2015. Collection method: clinical testing. Allele origin: germline.
Comment: This missense variant replaces threonine with methionine at codon 1730 of the RYR2 protein. Computational prediction is inconclusive regarding the impact of this variant on protein structure and function (internally defined REVEL score threshold 0.5 < inconclusive < 0.7, PMID: 27666373). To our knowledge, functional studies have not been reported for this variant. This variant has not been reported in individuals affected with RYR2-related disorders in the literature. This variant has been identified in 5/280302 chromosomes in the general population by the Genome Aggregation Database (gnomAD). The available evidence is insufficient to determine the role of this variant in disease conclusively. Therefore, this variant is classified as a Variant of Uncertain Significance.

Genetics Research Center, University of Social Welfare and Rehabilitation Sciences
Classification: Uncertain significance for Premature coronary artery atherosclerosis. Last evaluated: 2023-11-22. Review status: criteria provided, single submitter. Criteria: ACMG Guidelines, 2015. Collection method: research. Allele origin: germline. Affected: yes. Observed: 4 variant alleles.

Breakthrough Genomics
Classification: Uncertain significance. Review status: criteria provided, single submitter. Criteria: ACMG Guidelines, 2015. Collection method: not provided. Allele origin: germline. Inheritance: Autosomal dominant inheritance. Affected: yes.